The following is an entry in ClinVar:

ClinVar aggregate classification (germline): Uncertain significance (1 of 4 stars; one submission).

Conditions:
Hereditary pheochromocytoma and paraganglioma. Also called: Hereditary paragangliomas and pheochromocytomas; Hereditary Paraganglioma-Pheochromocytoma Syndromes; Hereditary pheochromocytoma-paraganglioma. Identifiers: Orphanet 29072, MedGen C4274332, MONDO:0017366.

Submission:

Labcorp Genetics (formerly Invitae), Labcorp
Classification: Uncertain significance for Hereditary pheochromocytoma and paraganglioma. Last evaluated: 2023-01-24. Review status: criteria provided, single submitter. Criteria: Invitae Variant Classification Sherloc (09022015). Collection method: clinical testing. Allele origin: germline.
Comment: In summary, the available evidence is currently insufficient to determine the role of this variant in disease. Therefore, it has been classified as a Variant of Uncertain Significance. Experimental studies and prediction algorithms are not available or were not evaluated, and the functional significance of this variant is currently unknown. This variant has not been reported in the literature in individuals affected with SDHAF2-related conditions. This variant is not present in population databases (gnomAD no frequency). This variant, c.442_447dup, results in the insertion of 2 amino acid(s) of the SDHAF2 protein (p.Asn148_Lys149dup), but otherwise preserves the integrity of the reading frame.

NM_017841.4(SDHAF2):c.436AACAAA[3] (p.146NK[3])

Gene: SDHAF2 (succinate dehydrogenase complex assembly factor 2; plus strand). Cytogenetic location: 11q12.2.
Variant type: Microsatellite.
Coding change: c.436AACAAA[3] on transcript NM_017841.4 (MANE Select); three copies in a row of the 6-base unit AACAAA starting at c.436; the reference has two copies in a row; one copy, 6 bases duplicated.
Protein change: p.146NK[3].
Molecular consequence: inframe insertion.
Genome position (GRCh38, 1-based): chr11:61,446,012-61,446,017, AACAAA duplicated; duplicating any 6 consecutive bases within chr11:61,446,003-61,446,017 gives the same sequence; the position shown is the placement nearest the transcript's 3' end. VCF-style (leftmost placement, unchanged base first): chr11-61446002-T-TAAAAAC. GRCh37 (hg19) VCF-style: chr11-61213474-T-TAAAAAC.
Identifiers: ClinVar variation 1512967 (VCV001512967.6), dbSNP rs1862132626, ClinGen allele CA2580615704.